The following is an entry in ClinVar:

NM_000151.4(G6PC1):c.231-18T>C

Gene: G6PC1 (glucose-6-phosphatase catalytic subunit 1; plus strand). Cytogenetic location: 17q21.31.
Variant type: single nucleotide variant.
Coding change: c.231-18T>C on transcript NM_000151.4 (MANE Select); 18 bases into the intron before coding-DNA position 231, T replaced by C.
Molecular consequence: intron variant.
Genome position (GRCh38, 1-based): chr17:42,903,913, T>C. VCF-style: chr17-42903913-T-C. GRCh37 (hg19) VCF-style: chr17-41055930-T-C.
Other names: c.231-18T>C (LRG_147t1, NM_001270397.2).
Identifiers: ClinVar variation 385009 (VCV000385009.1), dbSNP rs764936031, ClinGen allele CA8587520.

ClinVar aggregate classification (germline): Likely benign (1 of 4 stars; one submission).

Allele frequency attached by ClinVar (database versions not stated): gnomAD exomes below 0.00001 and 0.00001; TOPMed 0.00001; ExAC 0.00002.
gnomAD v4.1: 6 of 1,537,262 alleles (0.00039%); highest among the groups gnomAD compares: Non-Finnish European, 0.00054%; no homozygotes.

Submission:

GeneDx
Classification: Likely benign. Last evaluated: 2016-04-15. Review status: criteria provided, single submitter. Criteria: GeneDx Variant Classification (06012015). Collection method: clinical testing. Allele origin: germline. Affected: yes.
Comment: This variant is considered likely benign or benign based on one or more of the following criteria: it is a conservative change, it occurs at a poorly conserved position in the protein, it is predicted to be benign by multiple in silico algorithms, and/or has population frequency not consistent with disease.